The following continues an entry in ClinVar:

NM_000053.4(ATP7B):c.3191A>C (p.Glu1064Ala)

Gene: ATP7B. ClinVar aggregate classification (germline): Pathogenic/Likely pathogenic. Pathogenic (15); Likely pathogenic (4).

Submissions 9 to 20 of 20:

ARUP Laboratories, Molecular Genetics and Genomics, ARUP Laboratories
Classification: Pathogenic for Wilson disease. Last evaluated: 2024-08-19. Review status: criteria provided, single submitter. Criteria: ARUP Molecular Germline Variant Investigation Process 2024. Collection method: clinical testing. Allele origin: germline.
Comment: The ATP7B c.3191A>C; p.Glu1064Ala variant (rs374094065) has been described in the compound heterozygous state in several patients with Wilsons disease, often in-trans with the common pathogenic p.His1069Gln variant (Ala 2005, Coffey 2013, Perri 2005). It is reported in ClinVar (Variation ID: 370081) and observed in the general population at an overall frequency of 0.015% (37/249378 alleles) with increased frequency in the Ashkenazi Jewish population (0.33%) in the Genome Aggregation Database. The glutamic acid at codon 1064 is highly conserved, and computational analyses predict that this variant is deleterious (REVEL: 0.976). Consistent with this, functional analysis of the variant protein demonstrates a complete loss of ATP binding (Morgan 2004). Additionally, another variant at this position (c.3190G>A; p.Glu1064Lys) has been described in individuals with Wilsons disease and is considered pathogenic (Balashova 2020). Based on available information, the p.Glu1064Ala variant is considered pathogenic. References: Ala A et al. Wilson disease in septuagenarian siblings: Raising the bar for diagnosis. Hepatology. 2005 Mar;41(3):668-70. Balashova MS et al. The spectrum of pathogenic variants of the ATP7B gene in Wilson disease in the Russian Federation. J Trace Elem Med Biol. 2020 May;59:126420. PMID: 31708252. Coffey A et al. A genetic study of Wilson's disease in the United Kingdom. Brain. 2013 May;136(Pt 5):1476-87. Morgan C et al. The distinct functional properties of the nucleotide-binding domain of ATP7B, the human copper-transporting ATPase: analysis of the Wilson disease mutations E1064A, H1069Q, R1151H, and C1104F. J Biol Chem. 2004 Aug 27;279(35):36363-71. Perri R et al. Wilson Disease--keeping the bar for diagnosis raised. Hepatology. 2005 Oct;42(4):974.

Fulgent Genetics
Classification: Pathogenic for Wilson disease. Last evaluated: 2024-05-31. Review status: criteria provided, single submitter. Criteria: ACMG Guidelines, 2015. Collection method: clinical testing. Allele origin: germline.

Baylor Genetics
Classification: Pathogenic for Wilson disease. Last evaluated: 2024-03-15. Review status: criteria provided, single submitter. Criteria: ACMG Guidelines, 2015. Collection method: clinical testing. Allele origin: unknown.

Mayo Clinic Laboratories, Mayo Clinic
Classification: Pathogenic. Last evaluated: 2023-10-27. Review status: criteria provided, single submitter. Criteria: ACMG Guidelines, 2015. Collection method: clinical testing. Allele origin: germline.
Comment: PP1, PP3, PP4, PM2_moderate, PM3_supporting, PS3, PS4_moderate

Women's Health and Genetics/Laboratory Corporation of America, LabCorp
Classification: Pathogenic for Wilson disease. Last evaluated: 2023-01-25. Review status: criteria provided, single submitter. Criteria: LabCorp Variant Classification Summary - May 2015. Collection method: clinical testing. Allele origin: germline.
Comment: Variant summary: ATP7B c.3191A>C (p.Glu1064Ala) results in a non-conservative amino acid change located in the P-type ATPase, haloacid dehalogenase domain (IPR044492) of the encoded protein sequence. Five of five in-silico tools predict a damaging effect of the variant on protein function. The variant allele was found at a frequency of 0.00015 in 251578 control chromosomes (gnomAD). This frequency is not significantly higher than expected for a pathogenic variant in ATP7B causing Wilson Disease (0.00015 vs 0.0054), allowing no conclusion about variant significance. c.3191A>C has been reported in the literature in multiple individuals affected with Wilson Disease (e.g. Kalinsky_1998, Ala_2005, Perri_2005, Kuppala_2009, Coffey_2013, and Collins_2021). In at least four of these affected individuals, this variant has been found in trans with another previously established deleterious variant in the same gene (p.His1069Glu). These data indicate that the variant is likely to be associated with disease. Functional studies suggest that this missense change disrupts the protein's ability to bind ATP completely which is consistent with the loss of function of the mutant protein (e.g. Morgan_2004, Dmitriev_2011). Thirteen submitters have provided clinical-significance assessments for this variant to ClinVar after 2014 and all classified the variant as either pathogenic (n=8) or likely pathogenic (n=5). Based on the evidence outlined above, the variant was classified as pathogenic.

Genome-Nilou Lab
Classification: Pathogenic for Wilson disease. Last evaluated: 2021-08-10. Review status: criteria provided, single submitter. Criteria: ACMG Guidelines, 2015. Collection method: clinical testing. Allele origin: germline. Affected: no.

GeneDx
Classification: Pathogenic. Last evaluated: 2020-10-26. Review status: criteria provided, single submitter. Criteria: GeneDx Variant Classification Process June 2021. Collection method: clinical testing. Allele origin: germline. Affected: yes.
Comment: Functional studies found that this variant results in loss of ATP binding (Morgan et al., 2004; Dmitriev et al., 2011); In silico analysis supports that this missense variant has a deleterious effect on protein structure/function; This variant is associated with the following publications: (PMID: 31751128, 22692182, 23518715, 17272994, 26483271, 16175588, 31624327, 15723329, 15205462, 21398519, 9311736, 17717039, 9482578, 2610069, 32028086, 27415407)

Hadassah Hebrew University Medical Center
Classification: Pathogenic for Wilson disease. Last evaluated: 2019-06-20. Review status: criteria provided, single submitter. Criteria: ACMG Guidelines, 2015. Collection method: clinical testing. Allele origin: germline. Affected: yes.

Laboratory for Molecular Medicine, Mass General Brigham Personalized Medicine
Classification: Likely pathogenic for Wilson disease. Last evaluated: 2018-10-05. Review status: criteria provided, single submitter. Criteria: LMM Criteria. Collection method: clinical testing. Allele origin: germline. Inheritance: Autosomal recessive inheritance. Observed: 1 variant allele.
Comment: The p.Glu1064Ala variant in ATP7B has been reported in the compound heterozygous state with the p.His1069Gln variant in 3 individuals with Wilson disease, inclu ding at least 2 with mild disease, and segregated with disease in one affected r elative (Ala 2005, Perri 2005, Coffey 2013). This variant has been identified in 0.33% (32/9846) of Ashkenazi Jewish chromosomes and 4/111606 European chromosom es by the Genome Aggregation Database (gnomAD ) and is reported in ClinVar (Variation ID:370081). Although this variant has be en seen in the general population, its frequency is low enough to be consistent with a recessive carrier frequency. In vitro functional studies provide some evi dence that the p.Glu1064Ala variant may impact protein function (Morgan 2004, Di mitriev 2011, Schushan 2012); however, these types of assays may not accurately represent biological function. Computational prediction tools and conservation a nalysis suggest that the p.Glu1064Ala variant may impact the protein, though thi s information is not predictive enough to determine pathogenicity. Additionally, another variant at the same residue, p.Glu1061Lys, has been identified in patie nts with Wilson disease, suggesting variation at this site may not be tolerated. In summary, although additional studies are required to fully establish its cli nical significance, the p.Glu1064Ala variant is likely pathogenic. ACMG/AMP crit eria applied: PM3_Strong, PM5, PS3_Moderate, PP3.

Illumina Laboratory Services, Illumina
Classification: Likely pathogenic for Wilson disease. Last evaluated: 2017-10-20. Review status: criteria provided, single submitter. Criteria: ICSL Variant Classification Criteria 09 May 2019. Collection method: clinical testing. Allele origin: germline.
Comment: The ATP7B c.3191A>C (p.Glu1064Ala) missense variant has been reported in three studies in which it was found in a total of four individuals affected with Wilson disease, including in three in a compound heterozygous state (two of whom were siblings and carried the most common pathogenic variant associated with Wilson disease, p.His1069Gln, in trans) and in one with unknown zygosity (Shah et al. 1997; Kalinsky et al. 1998; Ala et al. 2005). The p.Glu1064Ala variant was present in a heterozygous state in 1/200 control chromosomes and is reported at a frequency of 0.00325 in the Ashkenazi Jewish population of the Genome Aggregation Database (Kalinsky et al. 1998). The variant occurs at a residue that is highly conserved across P1-ATPases in the helical hairpin region of the N-terminal domain, close to the most common pathogenic variant associated with Wilson disease. The p.Glu1064Ala variant has been shown to result in loss of ATP and ADP binding (Morgan et al. 2004; Dmitriev et al. 2011). In vivo structural NMR studies showed that the variant did not affect the overall fold of the N-domain containing the variant but did produce a more open structure which caused misalignment of ATP-binding residues which may account for the loss of ATP binding ability. In contrast, the p.Glu1064Ala variant did not affect stability or targeting of the protein in HEK293TRex cells (Dmitriev et al. 2011). However, based on the evidence, the p.Glu1064Ala variant is classified as a likely pathogenic for Wilson disease. This variant was observed by ICSL as part of a predisposition screen in an ostensibly healthy population.

Ambry Genetics
Classification: Pathogenic for Inborn genetic diseases. Last evaluated: 2016-03-22. Review status: criteria provided, single submitter. Criteria: Ambry Variant Classification Scheme 2023. Collection method: clinical testing. Allele origin: germline.
Comment: The p.E1064A pathogenic mutation (also known as c.3191A>C), located in coding exon 14 of the ATP7B gene, results from an A to C substitution at nucleotide position 3191. The glutamic acid at codon 1064 is replaced by alanine, an amino acid with dissimilar properties. This mutation was detected in two siblings with Wilson disease and the p.H1069Q pathogenic mutation in trans (Ala A, Hepatology 2005 Mar; 41(3):668-70). In addition, functional studies show this alteration results in the complete loss of ATP binding (Morgan CT, J. Biol. Chem. 2004 Aug; 279(35):36363-71). Based on the supporting evidence, p.E1064A is interpreted as a disease-causing mutation.

Counsyl
Classification: Likely pathogenic for Wilson disease. Last evaluated: 2016-11-14. Review status: no assertion criteria provided. Collection method: clinical testing. Allele origin: unknown. Not counted in ClinVar's aggregate classification.

Literature cited by the submitters: PubMed 2610069 (cited by Labcorp Genetics (formerly Invitae), Labcorp); PubMed 9311736 (cited by 4 submitters); PubMed 15723329 (cited by 8 submitters); PubMed 16175588 (cited by 7 submitters); PubMed 23518715 (cited by 6 submitters); PubMed 15205462 (cited by 7 submitters); PubMed 17272994 (cited by Labcorp Genetics (formerly Invitae), Labcorp); PubMed 33640437 (cited by 4 submitters); PubMed 9482578 (cited by 4 submitters); PubMed 35245129 (cited by Color Diagnostics, LLC DBA Color Health and All of Us Research Program, National Institutes of Health); PubMed 36096368 (cited by 3 submitters); PubMed 17717039 (cited by Women's Health and Genetics/Laboratory Corporation of America, LabCorp); PubMed 21398519 (cited by 3 submitters); PubMed 26483271 (cited by Women's Health and Genetics/Laboratory Corporation of America, LabCorp); PubMed 22692182 (cited by Laboratory for Molecular Medicine, Mass General Brigham Personalized Medicine).